The following is an entry in ClinVar:

NM_001164462.2(MUC12):c.8508C>T (p.Thr2836=)

Gene: MUC12 (mucin 12, cell surface associated; plus strand). Cytogenetic location: 7q22.1.
Variant type: single nucleotide variant.
Coding change: c.8508C>T on transcript NM_001164462.2 (MANE Select); coding-DNA position 8508, C replaced by T.
Protein change: p.Thr2836=; no amino-acid change (threonine 2836 retained).
Molecular consequence: synonymous variant.
Genome position (GRCh38, 1-based): chr7:100,999,071, C>T. VCF-style: chr7-100999071-C-T. GRCh37 (hg19) VCF-style: chr7-100642352-C-T.
Identifiers: ClinVar variation 3770873 (VCV003770873.13).

ClinVar aggregate classification (germline): Likely benign (1 of 4 stars; one submission).

Submission:

CeGaT Center for Human Genetics Tuebingen
Classification: Likely benign. Last evaluated: 2025-02-01. Review status: criteria provided, single submitter. Criteria: CeGaT Center For Human Genetics Tuebingen Variant Classification Criteria Version 2. Collection method: clinical testing. Allele origin: germline. Affected: yes. Observed: 1 variant allele.
Comment: MUC12: BP4, BP7